The following is an entry in ClinVar:

NM_000489.6(ATRX):c.4586C>T (p.Thr1529Ile)

Gene: ATRX (ATRX chromatin remodeler; minus strand). Cytogenetic location: Xq21.1.
Variant type: single nucleotide variant.
Coding change: c.4586C>T on transcript NM_000489.6 (MANE Select); coding-DNA position 4586, C replaced by T.
Protein change: p.Thr1529Ile; replaces threonine 1529 with isoleucine.
Molecular consequence: missense variant.
Genome position (GRCh38, 1-based): chrX:77,636,028, G>A on the plus strand (C>T on the coding strand, the complement: ATRX is on the minus strand). VCF-style: chrX-77636028-G-A. GRCh37 (hg19) VCF-style: chrX-76891519-G-A.
Other names: c.4586C>T (NM_000489.3); c.4472C>T, p.Thr1491Ile (NM_138270.5); short protein forms T1529I, T1491I.
Identifiers: ClinVar variation 3023864 (VCV003023864.4), dbSNP rs1557107890, ClinGen allele CA413705984.
Genomic context (GRCh38, chrX:77,636,028, plus strand): 5'-AAAGGTTCTTTGGTTTCTTCATCTTCATCTAAAACCAACTTGGTTGTTATTGGACACTTG[G>A]TGGGTGAAGCATCTTCAATTTCTATCACCTACAAGAAAAGGAGTTGTTGATAGTTAAGCT-3'
Protein context (NP_000480.3, residues 1519-1539): EVIEIEDASP[Thr1529Ile]KCPITTKLVL

ClinVar aggregate classification (germline): Conflicting classifications of pathogenicity. Review status: criteria provided, conflicting classifications (1 of 4 stars). 2 submissions from 2 submitters: Uncertain significance (1); Likely benign (1). Last evaluated 2025-07-21.

Conditions:
Alpha thalassemia-X-linked intellectual disability syndrome (ATRX). Also called: ALPHA-THALASSEMIA/MENTAL RETARDATION SYNDROME, X-LINKED; ATR, NONDELETION TYPE; ATR-X syndrome; Alpha thalassemia mental retardation syndrome, nondeletion type, X-linked; XLMR hypotonic face syndrome; X-linked alpha-thalassemia-mental retardation syndrome. Identifiers: Orphanet 847, MedGen C1845055, MONDO:0010519, OMIM 301040.

Allele frequency attached by ClinVar (database versions not stated): gnomAD exomes below 0.00001; gnomAD 0.00001; TOPMed 0.00001.
gnomAD v4.1: 2 of 1,209,010 alleles (0.00017%); highest among the groups gnomAD compares: African/African-American, 0.0035%; no homozygotes.

Submissions (2):

GeneDx
Classification: Uncertain significance. Last evaluated: 2025-07-21. Review status: criteria provided, single submitter. Criteria: GeneDx Variant Classification Process June 2021. Collection method: clinical testing. Allele origin: germline. Affected: yes.
Comment: In silico analysis suggests that this missense variant does not alter protein structure/function; Has not been previously published as pathogenic or benign to our knowledge

Labcorp Genetics (formerly Invitae), Labcorp
Classification: Likely benign for Alpha thalassemia-X-linked intellectual disability syndrome. Last evaluated: 2023-09-10. Review status: criteria provided, single submitter. Criteria: Invitae Variant Classification Sherloc (09022015). Collection method: clinical testing. Allele origin: germline.